The following is an entry in ClinVar:

NM_000283.4(PDE6B):c.646G>C (p.Ala216Pro)

Gene: PDE6B (phosphodiesterase 6B; plus strand). Cytogenetic location: 4p16.3.
Variant type: single nucleotide variant.
Coding change: c.646G>C on transcript NM_000283.4 (MANE Select); coding-DNA position 646, G replaced by C.
Protein change: p.Ala216Pro; replaces alanine 216 with proline.
Molecular consequence: missense variant.
Genome position (GRCh38, 1-based): chr4:635,904, G>C. VCF-style: chr4-635904-G-C. GRCh37 (hg19) VCF-style: chr4-629693-G-C.
Other names: c.646G>C, p.Ala216Pro (NM_001145291.2, NM_001440547.1, NM_001440548.1); short protein forms A216P.
Identifiers: ClinVar variation 4769016 (VCV004769016.1).

ClinVar aggregate classification (germline): Uncertain significance (1 of 4 stars; one submission).

gnomAD v4.1: 2 of 1,600,162 alleles (0.00012%); highest among the groups gnomAD compares: Non-Finnish European, 0.000086%; no homozygotes.

Submission:

Labcorp Genetics (formerly Invitae), Labcorp
Classification: Uncertain significance. Last evaluated: 2025-08-06. Review status: criteria provided, single submitter. Criteria: Invitae Variant Classification Sherloc (09022015). Collection method: clinical testing. Allele origin: germline.
Comment: This sequence change replaces alanine, which is neutral and non-polar, with proline, which is neutral and non-polar, at codon 216 of the PDE6B protein (p.Ala216Pro). This variant is not present in population databases (gnomAD no frequency). This variant has not been reported in the literature in individuals affected with PDE6B-related conditions. Invitae Evidence Modeling of protein sequence and biophysical properties (such as structural, functional, and spatial information, amino acid conservation, physicochemical variation, residue mobility, and thermodynamic stability) indicates that this missense variant is expected to disrupt PDE6B protein function with a positive predictive value of 80%. In summary, the available evidence is currently insufficient to determine the role of this variant in disease. Therefore, it has been classified as a Variant of Uncertain Significance.